The following is an entry in ClinVar:

ClinVar aggregate classification (germline): Uncertain significance (1 of 4 stars; one submission).

Conditions:
Epidermolysis bullosa simplex 5B, with muscular dystrophy (EBS5B). Also called: Epidermolysis bullosa simplex with muscular dystrophy; EPIDERMOLYSIS BULLOSA SIMPLEX AND LIMB-GIRDLE MUSCULAR DYSTROPHY. Identifiers: Orphanet 257, MedGen C2931072, MONDO:0009181, OMIM 226670.
Epidermolysis bullosa simplex 5C, with pyloric atresia (EBS5C). Also called: Epidermolysis bullosa simplex with pyloric atresia; PLEC-Related Epidermolysis Bullosa with Pyloric Atresia; PLEC1-Related Epidermolysis Bullosa with Pyloric Atresia. Identifiers: Orphanet 158684, MedGen C2677349, MONDO:0012807, OMIM 612138.
Epidermolysis bullosa simplex with nail dystrophy (EBS5D). Identifiers: MedGen C4225309, MONDO:0014661, OMIM 616487.
Autosomal recessive limb-girdle muscular dystrophy type 2Q (LGMDR17). Also called: MUSCULAR DYSTROPHY, LIMB-GIRDLE, AUTOSOMAL RECESSIVE 17. Identifiers: Orphanet 254361, MedGen C3150989, MONDO:0013390, OMIM 613723.
Epidermolysis bullosa simplex, Ogna type (EBS5A). Also called: Pidermolysis bullosa simplex 5A, Ogna type; EPIDERMOLYSIS BULLOSA SIMPLEX 5A, OGNA TYPE. Identifiers: Orphanet 79401, MedGen C0432317, MONDO:0007555, OMIM 131950.

Allele frequency attached by ClinVar (database versions not stated): gnomAD exomes below 0.00001; ExAC 0.00002.
gnomAD v4.1: 4 of 1,595,874 alleles (0.00025%); highest among the groups gnomAD compares: South Asian, 0.0023%; no homozygotes.

Submission:

Labcorp Genetics (formerly Invitae), Labcorp
Classification: Uncertain significance for Autosomal recessive limb-girdle muscular dystrophy type 2Q; Epidermolysis bullosa simplex, Ogna type; Epidermolysis bullosa simplex with nail dystrophy; Epidermolysis bullosa simplex 5C, with pyloric atresia; Epidermolysis bullosa simplex 5B, with muscular dystrophy. Last evaluated: 2026-01-19. Review status: criteria provided, single submitter. Criteria: Invitae Variant Classification Sherloc (09022015). Collection method: clinical testing. Allele origin: germline.
Comment: This sequence change replaces arginine, which is basic and polar, with tryptophan, which is neutral and slightly polar, at codon 786 of the PLEC protein (p.Arg786Trp). The frequency data for this variant in the population databases is considered unreliable, as metrics indicate poor data quality at this position in the gnomAD database. This variant has not been reported in the literature in individuals affected with PLEC-related conditions. ClinVar contains an entry for this variant (Variation ID: 1363968). Invitae Evidence Modeling of protein sequence and biophysical properties (such as structural, functional, and spatial information, amino acid conservation, physicochemical variation, residue mobility, and thermodynamic stability) indicates that this missense variant is not expected to disrupt PLEC protein function with a negative predictive value of 80%. In summary, the available evidence is currently insufficient to determine the role of this variant in disease. Therefore, it has been classified as a Variant of Uncertain Significance.

NM_201384.3(PLEC):c.2275C>T (p.Arg759Trp)

Gene: PLEC (plectin; minus strand). Cytogenetic location: 8q24.3.
Variant type: single nucleotide variant.
Coding change: c.2275C>T on transcript NM_201384.3 (MANE Select); coding-DNA position 2275, C replaced by T.
Protein change: p.Arg759Trp; replaces arginine 759 with tryptophan.
Molecular consequence: missense variant.
Genome position (GRCh38, 1-based): chr8:143,931,563, G>A on the plus strand (C>T on the coding strand, the complement: PLEC is on the minus strand). VCF-style: chr8-143931563-G-A. GRCh37 (hg19) VCF-style: chr8-145005731-G-A.
Other names: c.2356C>T, p.Arg786Trp (NM_000445.5); c.2233C>T, p.Arg745Trp (NM_201378.4); c.2209C>T, p.Arg737Trp (NM_201379.3); c.2686C>T, p.Arg896Trp (NM_201380.4); c.2179C>T, p.Arg727Trp (NM_201381.3); c.2275C>T, p.Arg759Trp (NM_201382.4); c.2287C>T, p.Arg763Trp (NM_201383.3); short protein forms R896W, R745W, R786W, R759W, R763W, R727W, R737W.
Identifiers: ClinVar variation 1363968 (VCV001363968.11), dbSNP rs781846297, ClinGen allele CA4927595.